The following is an entry in ClinVar:

ClinVar aggregate classification (germline): Uncertain significance (1 of 4 stars; one submission).

Submission:

GeneDx
Classification: Uncertain significance. Last evaluated: 2025-05-01. Review status: criteria provided, single submitter. Criteria: GeneDx Variant Classification Process June 2021. Collection method: clinical testing. Allele origin: germline. Affected: yes.
Comment: Not observed at significant frequency in large population cohorts (gnomAD); In silico analysis supports that this missense variant has a deleterious effect on protein structure/function; Has not been previously published as pathogenic or benign to our knowledge

NM_001330574.2(ZNF711):c.1566C>A (p.His522Gln)

Gene: ZNF711 (zinc finger protein 711; plus strand). Cytogenetic location: Xq21.1.
Variant type: single nucleotide variant.
Coding change: c.1566C>A on transcript NM_001330574.2 (MANE Select); coding-DNA position 1566, C replaced by A.
Protein change: p.His522Gln; replaces histidine 522 with glutamine.
Molecular consequence: missense variant.
Genome position (GRCh38, 1-based): chrX:85,270,970, C>A. VCF-style: chrX-85270970-C-A. GRCh37 (hg19) VCF-style: chrX-84525976-C-A.
Other names: c.1566C>A, p.His522Gln (NM_001375431.1, NM_001375432.1, NM_001375433.1); c.1428C>A, p.His476Gln (NM_001375434.1, NM_001375435.1, NM_001375436.1 and 2 more transcripts); short protein forms H476Q, H522Q.
Identifiers: ClinVar variation 4527807 (VCV004527807.1).
Genomic context (GRCh38, chrX:85,270,970, plus strand): 5'-AGAGGCTAGTCCACTGAGTTCCAATAAACTTATTTTAAGAGACAAGGAGCCGAAGATGCA[C>A]AAGTGCAAATACTGTGACTATGAAACTGCAGAACAAGGACTGTTAAACAGGCATTTGTTG-3'
Protein context (NP_001317503.1, residues 512-532): LILRDKEPKM[His522Gln]KCKYCDYETA